The following is an entry in ClinVar:

ClinVar aggregate classification (germline): Likely pathogenic (1 of 4 stars; one submission).

Conditions:
Dilated cardiomyopathy 1S (CMD1S). Identifiers: Orphanet 154, Orphanet 54260, MedGen C1834481, MONDO:0013262, OMIM 613426.

Submission:

Institute of Human Genetics, University of Goettingen
Classification: Likely pathogenic for Dilated cardiomyopathy 1S. Last evaluated: 2022-09-22. Review status: criteria provided, single submitter. Criteria: ACMG Guidelines, 2015. Collection method: clinical testing. Allele origin: germline. Affected: yes. Observed: 1 heterozygote.
Comment: The MYH7 variant c.2329A>T (p.Arg777Trp) is classified as likely pathogenic. It is absent from HGMD, ClinVar, LOVD3, gnomAD, and the literature [PM2_moderate]. The variant affects a residue within a known functional domain associated with disease [PM1_moderate]. A different substitution at the same position (p.Arg777Lys) has been reported as a VUS (HGMD: CM193859). Most in silico tools (16/23) predict a deleterious effect [PP3_supporting]. The molecular finding is consistent with the patient's clinical phenotype. ACMG criteria: PM1_moderate, PM2_moderate, PP3_supporting.

NM_000257.4(MYH7):c.2329A>T (p.Arg777Trp)

Genes: MYH7 (myosin heavy chain 7; minus strand), LOC126861898 (BRD4-independent group 4 enhancer GRCh37_chr14:23893609-23894808; plus strand). Cytogenetic location: 14q11.2.
Variant type: single nucleotide variant.
Coding change: c.2329A>T on transcript NM_000257.4 (MANE Select); coding-DNA position 2329, A replaced by T.
Protein change: p.Arg777Trp; replaces arginine 777 with tryptophan.
Molecular consequence: missense variant.
Genome position (GRCh38, 1-based): chr14:23,425,376, T>A on the plus strand (A>T on the coding strand, the complement: MYH7 is on the minus strand). VCF-style: chr14-23425376-T-A. GRCh37 (hg19) VCF-style: chr14-23894585-T-A.
Other names: c.2329A>T, p.Arg777Trp (NM_001407004.1); short protein forms R777W.
Identifiers: ClinVar variation 4280660 (VCV004280660.1).